The following is an entry in ClinVar:

ClinVar aggregate classification (germline): Conflicting classifications of pathogenicity. Review status: criteria provided, conflicting classifications (1 of 4 stars). 2 submissions from 2 submitters: Uncertain significance (1); Benign (1). Last evaluated 2025-05-09.

Conditions:
Hereditary breast ovarian cancer syndrome. Also called: BRCA1- and BRCA2-Associated Hereditary Breast and Ovarian Cancer; Hereditary breast and ovarian cancer syndrome (HBOC); Hereditary breast and ovarian cancer syndrome; Breast and ovarian cancer; Hereditary breast and/or ovarian cancer syndrome; Hereditary breast and ovarian cancer. Identifiers: Orphanet 145, MedGen C0677776, MeSH D061325, MONDO:0003582. Disease mechanism: loss of function.
Hereditary cancer-predisposing syndrome. Also called: Neoplastic Syndromes, Hereditary; Hereditary Cancer Syndrome; Hereditary neoplastic syndrome; Tumor predisposition. Identifiers: Orphanet 140162, MedGen C0027672, MeSH D009386, MONDO:0015356.

Allele frequency attached by ClinVar (database versions not stated): gnomAD exomes below 0.00001; TOPMed below 0.00001.
gnomAD v4.1: 2 of 1,613,988 alleles (0.00012%); highest among the groups gnomAD compares: Non-Finnish European, 0.00017%; no homozygotes.

Submissions (2):

Ambry Genetics
Classification: Benign for Hereditary cancer-predisposing syndrome. Last evaluated: 2025-05-09. Review status: criteria provided, single submitter. Criteria: Ambry Variant Classification Scheme 2023. Collection method: clinical testing. Allele origin: germline.

Labcorp Genetics (formerly Invitae), Labcorp
Classification: Uncertain significance for Hereditary breast ovarian cancer syndrome. Last evaluated: 2024-04-01. Review status: criteria provided, single submitter. Criteria: Invitae Variant Classification Sherloc (09022015). Collection method: clinical testing. Allele origin: germline.
Comment: This sequence change replaces histidine, which is basic and polar, with arginine, which is basic and polar, at codon 2876 of the BRCA2 protein (p.His2876Arg). This variant is present in population databases (no rsID available, gnomAD 0.0009%). This variant has not been reported in the literature in individuals affected with BRCA2-related conditions. ClinVar contains an entry for this variant (Variation ID: 2560939). Advanced modeling of protein sequence and biophysical properties (such as structural, functional, and spatial information, amino acid conservation, physicochemical variation, residue mobility, and thermodynamic stability) performed at Invitae indicates that this missense variant is not expected to disrupt BRCA2 protein function with a negative predictive value of 95%. In summary, the available evidence is currently insufficient to determine the role of this variant in disease. Therefore, it has been classified as a Variant of Uncertain Significance.

NM_000059.4(BRCA2):c.8627A>G (p.His2876Arg)

Gene: BRCA2 (BRCA2 DNA repair associated; plus strand). Cytogenetic location: 13q13.1.
Variant type: single nucleotide variant.
Coding change: c.8627A>G on transcript NM_000059.4 (MANE Select); coding-DNA position 8627, A replaced by G.
Protein change: p.His2876Arg; replaces histidine 2876 with arginine.
Molecular consequence: missense variant. On other transcripts: non-coding transcript variant (1).
Genome position (GRCh38, 1-based): chr13:32,371,095, A>G. VCF-style: chr13-32371095-A-G. GRCh37 (hg19) VCF-style: chr13-32945232-A-G.
Other names: c.8531A>G, p.His2844Arg (NM_001406719.1); c.8627A>G, p.His2876Arg (NM_001406720.1); c.3695A>G, p.His1232Arg (NM_001406721.1); c.2210A>G, p.His737Arg (NM_001406722.1); short protein forms H1232R, H2844R, H2876R, H737R.
Identifiers: ClinVar variation 2560939 (VCV002560939.6), dbSNP rs1060502470, ClinGen allele CA387753007.